The following is an entry in ClinVar:

ClinVar aggregate classification (germline): Uncertain significance (1 of 4 stars; one submission).

Submission:

GeneDx
Classification: Uncertain significance. Last evaluated: 2025-05-22. Review status: criteria provided, single submitter. Criteria: GeneDx Variant Classification Process June 2021. Collection method: clinical testing. Allele origin: germline. Affected: yes.
Comment: Not observed at significant frequency in large population cohorts (gnomAD); In silico analysis suggests that this missense variant does not alter protein structure/function; Has not been previously published as pathogenic or benign to our knowledge

NM_001111125.3(IQSEC2):c.3920C>G (p.Pro1307Arg)

Gene: IQSEC2 (IQ motif and Sec7 domain ArfGEF 2; minus strand). Cytogenetic location: Xp11.22.
Variant type: single nucleotide variant.
Coding change: c.3920C>G on transcript NM_001111125.3 (MANE Select); coding-DNA position 3920, C replaced by G.
Protein change: p.Pro1307Arg; replaces proline 1307 with arginine.
Molecular consequence: missense variant. On other transcripts: 3 prime UTR variant (4), intron variant (2).
Genome position (GRCh38, 1-based): chrX:53,234,766, G>C on the plus strand (C>G on the coding strand, the complement: IQSEC2 is on the minus strand). VCF-style: chrX-53234766-G-C. GRCh37 (hg19) VCF-style: chrX-53263948-G-C.
Other names: c.*405C>G (NM_001410736.1, NM_001441093.1, NM_001441094.1 and 1 more transcripts); c.3451+1556C>G (NM_001441092.1); c.2740+1556C>G (NM_001441095.1); short protein forms P1307R.
Identifiers: ClinVar variation 4530824 (VCV004530824.1).